The following is an entry in ClinVar:

NM_001306089.2(ZNF236):c.4534G>A (p.Ala1512Thr)

Gene: ZNF236 (zinc finger protein 236; plus strand). Cytogenetic location: 18q23.
Variant type: single nucleotide variant.
Coding change: c.4534G>A on transcript NM_001306089.2 (MANE Select); coding-DNA position 4534, G replaced by A.
Protein change: p.Ala1512Thr; replaces alanine 1512 with threonine.
Molecular consequence: missense variant.
Genome position (GRCh38, 1-based): chr18:76,928,046, G>A. VCF-style: chr18-76928046-G-A. GRCh37 (hg19) VCF-style: chr18-74640002-G-A.
Other names: c.4528G>A, p.Ala1510Thr (NM_007345.4); short protein forms A1510T, A1512T.
Identifiers: ClinVar variation 786347 (VCV000786347.27), dbSNP rs76679748, ClinGen allele CA9004791.

ClinVar aggregate classification (germline): Likely benign. Review status: criteria provided, multiple submitters, no conflicts (2 of 4 stars). 2 submissions from 2 submitters: Likely benign (2). Last evaluated 2022-06-01.

Allele frequency attached by ClinVar (database versions not stated): gnomAD 0.00263 and 0.00268; ESP Exome Variant Server 0.00266; TOPMed 0.00284; 1000 Genomes Project 0.00559; 1000 Genomes Project 30x 0.00578.
gnomAD v4.1: 790 of 1,613,498 alleles (0.049%); highest among the groups gnomAD compares: African/African-American, 0.89%; 2 homozygotes.

Submissions (2):

CeGaT Center for Human Genetics Tuebingen
Classification: Likely benign. Last evaluated: 2022-06-01. Review status: criteria provided, single submitter. Criteria: CeGaT Center For Human Genetics Tuebingen Variant Classification Criteria Version 2. Collection method: clinical testing. Allele origin: germline. Affected: yes. Observed: 1 variant allele.
Comment: ZNF236: PP2, BP4, BS2

Labcorp Genetics (formerly Invitae), Labcorp
Classification: Likely benign. Last evaluated: 2018-02-20. Review status: criteria provided, single submitter. Criteria: Invitae Variant Classification Sherloc (09022015). Collection method: clinical testing. Allele origin: germline.